The following is an entry in ClinVar:

NM_005732.4(RAD50):c.2422A>C (p.Lys808Gln)

Gene: RAD50 (RAD50 double strand break repair protein; plus strand). Cytogenetic location: 5q31.1.
Variant type: single nucleotide variant.
Coding change: c.2422A>C on transcript NM_005732.4 (MANE Select); coding-DNA position 2422, A replaced by C.
Protein change: p.Lys808Gln; replaces lysine 808 with glutamine.
Molecular consequence: missense variant.
Genome position (GRCh38, 1-based): chr5:132,603,944, A>C. VCF-style: chr5-132603944-A-C. GRCh37 (hg19) VCF-style: chr5-131939636-A-C.
Other names: short protein forms K808Q.
Identifiers: ClinVar variation 647977 (VCV000647977.9), dbSNP rs1581001439, ClinGen allele CA360955402.
Genomic context (GRCh38, chr5:132,603,944, plus strand): 5'-GTTTATTAAAGGAAATCATTTTGTTATATTCTTAAGATGGAACTTAAAGATGTTGAAAGA[A>C]AAATTGCACAACAAGCAGCTAAGCTACAAGGAATAGACTTAGATCGAACTGTCCAACAAG-3'
Protein context (NP_005723.2, residues 798-818): FQMELKDVER[Lys808Gln]IAQQAAKLQG

ClinVar aggregate classification (germline): Uncertain significance (1 of 4 stars; one submission).

Conditions:
Hereditary cancer-predisposing syndrome. Also called: Neoplastic Syndromes, Hereditary; Tumor predisposition; Hereditary Cancer Syndrome; Hereditary neoplastic syndrome. Identifiers: Orphanet 140162, MedGen C0027672, MeSH D009386, MONDO:0015356.

Submission:

Labcorp Genetics (formerly Invitae), Labcorp
Classification: Uncertain significance for Hereditary cancer-predisposing syndrome. Last evaluated: 2018-12-05. Review status: criteria provided, single submitter. Criteria: Invitae Variant Classification Sherloc (09022015). Collection method: clinical testing. Allele origin: germline.
Comment: In summary, the available evidence is currently insufficient to determine the role of this variant in disease. Therefore, it has been classified as a Variant of Uncertain Significance. Algorithms developed to predict the effect of missense changes on protein structure and function are either unavailable or do not agree on the potential impact of this missense change (SIFT: "Tolerated"; PolyPhen-2: "Possibly Damaging"; Align-GVGD: "Class C0"). This variant has not been reported in the literature in individuals with RAD50-related conditions. This variant is not present in population databases (ExAC no frequency). This sequence change replaces lysine with glutamine at codon 808 of the RAD50 protein (p.Lys808Gln). The lysine residue is moderately conserved and there is a small physicochemical difference between lysine and glutamine.